The following is an entry in ClinVar:

ClinVar aggregate classification (germline): Uncertain significance (1 of 4 stars; one submission).

Conditions:
Epidermolysis bullosa simplex with nail dystrophy (EBS5D). Identifiers: MedGen C4225309, MONDO:0014661, OMIM 616487.
Epidermolysis bullosa simplex, Ogna type (EBS5A). Also called: EPIDERMOLYSIS BULLOSA SIMPLEX 5A, OGNA TYPE; Pidermolysis bullosa simplex 5A, Ogna type. Identifiers: Orphanet 79401, MedGen C0432317, MONDO:0007555, OMIM 131950.
Autosomal recessive limb-girdle muscular dystrophy type 2Q (LGMDR17). Also called: MUSCULAR DYSTROPHY, LIMB-GIRDLE, AUTOSOMAL RECESSIVE 17. Identifiers: Orphanet 254361, MedGen C3150989, MONDO:0013390, OMIM 613723.
Epidermolysis bullosa simplex 5B, with muscular dystrophy (EBS5B). Also called: EPIDERMOLYSIS BULLOSA SIMPLEX AND LIMB-GIRDLE MUSCULAR DYSTROPHY; Epidermolysis bullosa simplex with muscular dystrophy. Identifiers: Orphanet 257, MedGen C2931072, MONDO:0009181, OMIM 226670.
Epidermolysis bullosa simplex 5C, with pyloric atresia (EBS5C). Also called: PLEC-Related Epidermolysis Bullosa with Pyloric Atresia; Epidermolysis bullosa simplex with pyloric atresia; PLEC1-Related Epidermolysis Bullosa with Pyloric Atresia. Identifiers: Orphanet 158684, MedGen C2677349, MONDO:0012807, OMIM 612138.

gnomAD v4.1: 9 of 1,613,564 alleles (0.00056%); highest among the groups gnomAD compares: Admixed American, 0.013%; no homozygotes.

Submission:

Labcorp Genetics (formerly Invitae), Labcorp
Classification: Uncertain significance for Autosomal recessive limb-girdle muscular dystrophy type 2Q; Epidermolysis bullosa simplex, Ogna type; Epidermolysis bullosa simplex with nail dystrophy; Epidermolysis bullosa simplex 5C, with pyloric atresia; Epidermolysis bullosa simplex 5B, with muscular dystrophy. Last evaluated: 2025-02-10. Review status: criteria provided, single submitter. Criteria: Invitae Variant Classification Sherloc (09022015). Collection method: clinical testing. Allele origin: germline.
Comment: This sequence change replaces alanine, which is neutral and non-polar, with proline, which is neutral and non-polar, at codon 2916 of the PLEC protein (p.Ala2916Pro). This variant is present in population databases (rs782268192, gnomAD 0.006%). This variant has not been reported in the literature in individuals affected with PLEC-related conditions. An algorithm developed to predict the effect of missense changes on protein structure and function (PolyPhen-2) suggests that this variant is likely to be disruptive. In summary, the available evidence is currently insufficient to determine the role of this variant in disease. Therefore, it has been classified as a Variant of Uncertain Significance.

NM_201384.3(PLEC):c.8665G>C (p.Ala2889Pro)

Gene: PLEC (plectin; minus strand). Cytogenetic location: 8q24.3.
Variant type: single nucleotide variant.
Coding change: c.8665G>C on transcript NM_201384.3 (MANE Select); coding-DNA position 8665, G replaced by C.
Protein change: p.Ala2889Pro; replaces alanine 2889 with proline.
Molecular consequence: missense variant.
Genome position (GRCh38, 1-based): chr8:143,921,156, C>G on the plus strand (G>C on the coding strand, the complement: PLEC is on the minus strand). VCF-style: chr8-143921156-C-G. GRCh37 (hg19) VCF-style: chr8-144995324-C-G.
Other names: c.8746G>C, p.Ala2916Pro (NM_000445.5); c.5365G>C, p.Ala1789Pro (NM_001410941.1); c.8623G>C, p.Ala2875Pro (NM_201378.4); c.8599G>C, p.Ala2867Pro (NM_201379.3); c.9076G>C, p.Ala3026Pro (NM_201380.4); c.8569G>C, p.Ala2857Pro (NM_201381.3); c.8665G>C, p.Ala2889Pro (NM_201382.4); c.8677G>C, p.Ala2893Pro (NM_201383.3); short protein forms A1789P, A2867P, A2889P, A3026P, A2857P, A2875P, A2893P, A2916P.
Identifiers: ClinVar variation 4787516 (VCV004787516.1).
Genomic context (GRCh38, chr8:143,921,156, plus strand): 5'-TGGCCTTCTCAAAGACGTCCCGGGCCTCGGAGTCAGTGTAGACCAGCTCCCCGCCCTTGG[C>G]AGCCTTATCCGTGAGTGGCAGAAGGCACAGGCCCGTCTCGGGGTCCTCCACGCAGCGCTC-3'
Protein context (NP_958786.1, residues 2879-2899): LCLLPLTDKA[Ala2889Pro]KGGELVYTDS